The following is an entry in ClinVar:

ClinVar aggregate classification (germline): Uncertain significance. Review status: criteria provided, multiple submitters, no conflicts (2 of 4 stars). 4 submissions from 4 submitters: Uncertain significance (4). Last evaluated 2024-06-10.

Allele frequency attached by ClinVar (database versions not stated): gnomAD 0.00001; gnomAD exomes 0.00001 and 0.00002; TOPMed 0.00002.

Submissions (4):

Blueprint Genetics
Classification: Uncertain significance. Last evaluated: 2024-06-10. Review status: criteria provided, single submitter. Criteria: ACMG Guidelines, 2015. Collection method: clinical testing. Allele origin: germline.

Labcorp Genetics (formerly Invitae), Labcorp
Classification: Uncertain significance. Last evaluated: 2023-11-13. Review status: criteria provided, single submitter. Criteria: Invitae Variant Classification Sherloc (09022015). Collection method: clinical testing. Allele origin: germline.
Comment: This sequence change replaces glycine, which is neutral and non-polar, with glutamic acid, which is acidic and polar, at codon 495 of the GPR179 protein (p.Gly495Glu). This variant is present in population databases (rs794727848, gnomAD 0.01%). This variant has not been reported in the literature in individuals affected with GPR179-related conditions. ClinVar contains an entry for this variant (Variation ID: 198440). An algorithm developed to predict the effect of missense changes on protein structure and function (PolyPhen-2) suggests that this variant is likely to be disruptive. In summary, the available evidence is currently insufficient to determine the role of this variant in disease. Therefore, it has been classified as a Variant of Uncertain Significance.

Eurofins Ntd Llc (ga)
Classification: Uncertain significance. Last evaluated: 2014-08-19. Review status: criteria provided, single submitter. Criteria: EGL Classification Definitions 2015. Collection method: clinical testing. Allele origin: germline. Observed: 1 variant allele, 1 heterozygote.

Breakthrough Genomics
Classification: Uncertain significance. Review status: criteria provided, single submitter. Criteria: ACMG Guidelines, 2015. Collection method: not provided. Allele origin: germline. Inheritance: Autosomal recessive inheritance. Affected: yes.

NM_001004334.4(GPR179):c.1484G>A (p.Gly495Glu)

Gene: GPR179 (G protein-coupled receptor 179; minus strand). Cytogenetic location: 17q12.
Variant type: single nucleotide variant.
Coding change: c.1484G>A on transcript NM_001004334.4 (MANE Select); coding-DNA position 1484, G replaced by A.
Protein change: p.Gly495Glu; replaces glycine 495 with glutamic acid.
Molecular consequence: missense variant.
Genome position (GRCh38, 1-based): chr17:38,335,194, C>T on the plus strand (G>A on the coding strand, the complement: GPR179 is on the minus strand). VCF-style: chr17-38335194-C-T. GRCh37 (hg19) VCF-style: chr17-36491077-C-T.
Other names: short protein forms G495E.
Identifiers: ClinVar variation 198440 (VCV000198440.14), dbSNP rs794727848, ClinGen allele CA247090.